The following is an entry in ClinVar:

NM_000455.5(STK11):c.509A>C (p.Gln170Pro)

Gene: STK11 (serine/threonine kinase 11; plus strand). Cytogenetic location: 19p13.3.
Variant type: single nucleotide variant.
Coding change: c.509A>C on transcript NM_000455.5 (MANE Select); coding-DNA position 509, A replaced by C.
Protein change: p.Gln170Pro; replaces glutamine 170 with proline.
Molecular consequence: missense variant.
Genome position (GRCh38, 1-based): chr19:1,220,417, A>C. VCF-style: chr19-1220417-A-C. GRCh37 (hg19) VCF-style: chr19-1220416-A-C.
Other names: short protein forms Q170P.
Identifiers: ClinVar variation 951114 (VCV000951114.9), dbSNP rs876659972, ClinGen allele CA402948926.
Genomic context (GRCh38, chr19:1,220,417, plus strand): 5'-TGTGTGCTGCCCGCAGGTACTTCTGTCAGCTGATTGACGGCCTGGAGTACCTGCATAGCC[A>C]GGGCATTGTGCACAAGGACATCAAGCCGGGGAACCTGCTGCTCACCACCGGTGGCACCCT-3'
Protein context (NP_000446.1, residues 160-180): LIDGLEYLHS[Gln170Pro]GIVHKDIKPG

ClinVar aggregate classification (germline): Uncertain significance (1 of 4 stars; one submission).

Conditions:
Peutz-Jeghers syndrome (PJS). Also called: POLYPOSIS, HAMARTOMATOUS INTESTINAL; POLYPS-AND-SPOTS SYNDROME; Peutz-Jeghers polyposis; Periorificial lentiginosis syndrome. Identifiers: Orphanet 2869, MedGen C0031269, MeSH D010580, MONDO:0008280, OMIM 175200.

Submission:

Labcorp Genetics (formerly Invitae), Labcorp
Classification: Uncertain significance for Peutz-Jeghers syndrome. Last evaluated: 2023-12-17. Review status: criteria provided, single submitter. Criteria: Invitae Variant Classification Sherloc (09022015). Collection method: clinical testing. Allele origin: germline.
Comment: This sequence change replaces glutamine, which is neutral and polar, with proline, which is neutral and non-polar, at codon 170 of the STK11 protein (p.Gln170Pro). This variant is not present in population databases (gnomAD no frequency). This missense change has been observed in individual(s) with Peutz-Jeghers syndrome (PMID: 15121768). ClinVar contains an entry for this variant (Variation ID: 951114). Advanced modeling of protein sequence and biophysical properties (such as structural, functional, and spatial information, amino acid conservation, physicochemical variation, residue mobility, and thermodynamic stability) has been performed at Invitae for this missense variant, however the output from this modeling did not meet the statistical confidence thresholds required to predict the impact of this variant on STK11 protein function. In summary, the available evidence is currently insufficient to determine the role of this variant in disease. Therefore, it has been classified as a Variant of Uncertain Significance.

Literature cited by the submitters: PubMed 15121768.